The following is an entry in ClinVar:

NM_024870.4(PREX2):c.1879-7C>T

Gene: PREX2 (phosphatidylinositol-3,4,5-trisphosphate dependent Rac exchange factor 2; plus strand). Cytogenetic location: 8q13.2.
Variant type: single nucleotide variant.
Coding change: c.1879-7C>T on transcript NM_024870.4 (MANE Select); 7 bases into the intron before coding-DNA position 1879, C replaced by T.
Molecular consequence: intron variant.
Genome position (GRCh38, 1-based): chr8:68,083,233, C>T. VCF-style: chr8-68083233-C-T. GRCh37 (hg19) VCF-style: chr8-68995468-C-T.
Other names: c.1879-7C>T (NM_025170.6).
Identifiers: ClinVar variation 3059183 (VCV003059183.2), dbSNP rs1030752, ClinGen allele CA4773780.

ClinVar aggregate classification (germline): Benign (0 of 4 stars; one submission).

Conditions:
PREX2-related disorder. Also called: PREX2-related condition.

Allele frequency attached by ClinVar (database versions not stated): 1000 Genomes Project 0.52216; 1000 Genomes Project 30x 0.52217; TOPMed 0.52472; ExAC 0.52537; ESP Exome Variant Server 0.54122.
gnomAD v4.1: 844,864 of 1,566,764 alleles (54%); highest among the groups gnomAD compares: South Asian, 56%; 229,322 homozygotes.

Submission:

PreventionGenetics, part of Exact Sciences
Classification: Benign for PREX2-related condition. Last evaluated: 2019-10-21. Review status: no assertion criteria provided. Collection method: clinical testing. Allele origin: germline.
Comment: This variant is classified as benign based on ACMG/AMP sequence variant interpretation guidelines (Richards et al. 2015 PMID: 25741868, with internal and published modifications).